The following is an entry in ClinVar:

NM_000051.4(ATM):c.5002C>A (p.Leu1668Ile)

Gene: ATM (ATM serine/threonine kinase; plus strand). Cytogenetic location: 11q22.3.
Variant type: single nucleotide variant.
Coding change: c.5002C>A on transcript NM_000051.4 (MANE Select); coding-DNA position 5002, C replaced by A.
Protein change: p.Leu1668Ile; replaces leucine 1668 with isoleucine.
Molecular consequence: missense variant.
Genome position (GRCh38, 1-based): chr11:108,297,379, C>A. VCF-style: chr11-108297379-C-A. GRCh37 (hg19) VCF-style: chr11-108168106-C-A.
Other names: c.5002C>A, p.Leu1668Ile (NM_001351834.2); short protein forms L1668I.
Identifiers: ClinVar variation 579970 (VCV000579970.9), dbSNP rs747317946, ClinGen allele CA382538589.

ClinVar aggregate classification (germline): Uncertain significance. Review status: criteria provided, multiple submitters, no conflicts (2 of 4 stars). 2 submissions from 2 submitters: Uncertain significance (2). Last evaluated 2026-04-23.

Conditions:
Ataxia-telangiectasia syndrome (AT). Also called: LOUIS-BAR SYNDROME; Ataxia-telangiectasia, complementation group E; Cerebello-oculocutaneous telangiectasia; Immunodeficiency with ataxia telangiectasia; Ataxia-telangiectasia, complementation group D; AT, COMPLEMENTATION GROUP C. Identifiers: Orphanet 100, MedGen C0004135, MONDO:0008840, OMIM 208900.
Hereditary cancer-predisposing syndrome. Also called: Tumor predisposition; Hereditary Cancer Syndrome; Neoplastic Syndromes, Hereditary; Hereditary neoplastic syndrome. Identifiers: Orphanet 140162, MedGen C0027672, MeSH D009386, MONDO:0015356.

gnomAD v4.1: 1 of 1,612,488 alleles (0.000062%); highest among the groups gnomAD compares: South Asian, 0.0011%; no homozygotes.

Submissions (2):

Ambry Genetics
Classification: Uncertain significance for Hereditary cancer-predisposing syndrome. Last evaluated: 2026-04-23. Review status: criteria provided, single submitter. Criteria: Ambry Variant Classification Scheme 2023. Collection method: clinical testing. Allele origin: germline.
Comment: The p.L1668I variant (also known as c.5002C>A), located in coding exon 32 of the ATM gene, results from a C to A substitution at nucleotide position 5002. The leucine at codon 1668 is replaced by isoleucine, an amino acid with highly similar properties. This amino acid position is conserved. In addition, the in silico prediction for this alteration is inconclusive. Based on the available evidence, the clinical significance of this variant remains unclear.

Labcorp Genetics (formerly Invitae), Labcorp
Classification: Uncertain significance for Ataxia-telangiectasia syndrome. Last evaluated: 2018-04-25. Review status: criteria provided, single submitter. Criteria: Invitae Variant Classification Sherloc (09022015). Collection method: clinical testing. Allele origin: germline.
Comment: Algorithms developed to predict the effect of missense changes on protein structure and function do not agree on the potential impact of this missense change (SIFT: "Deleterious"; PolyPhen-2: "Possibly Damaging"; Align-GVGD: "Class C0"). In summary, the available evidence is currently insufficient to determine the role of this variant in disease. Therefore, it has been classified as a Variant of Uncertain Significance. This sequence change replaces leucine with isoleucine at codon 1668 of the ATM protein (p.Leu1668Ile). The leucine residue is highly conserved and there is a small physicochemical difference between leucine and isoleucine. This variant is not present in population databases (ExAC no frequency). This variant has not been reported in the literature in individuals with ATM-related disease.